The following is an entry in ClinVar:

ClinVar aggregate classification (germline): Conflicting classifications of pathogenicity. Review status: criteria provided, conflicting classifications (1 of 4 stars). 6 submissions from 5 submitters: Uncertain significance (4); Benign (1). 1 of the submissions does not count toward it. Last evaluated 2025-12-21.

Conditions:
Aortic valve disease 1 (AOVD1). Identifiers: MedGen C3887892, MONDO:0024523, OMIM 109730.
Chronic adenoiditis. Identifiers: MedGen C0396023.
Familial thoracic aortic aneurysm and aortic dissection (TAAD). Also called: Thoracic aortic aneurysms and dissections. Identifiers: Orphanet 91387, MedGen C4707243, MONDO:0019625.
Adams-Oliver syndrome 5 (AOS5). Identifiers: Orphanet 974, MedGen C4014970, MONDO:0014459, OMIM 616028.

Allele frequency attached by ClinVar (database versions not stated): gnomAD exomes below 0.00001 and 0.00004; TOPMed 0.00002; gnomAD 0.00003.
gnomAD v4.1: 70 of 1,607,364 alleles (0.0044%); highest among the groups gnomAD compares: Non-Finnish European, 0.0051%; no homozygotes.

Submissions (6):

Labcorp Genetics (formerly Invitae), Labcorp
Classification: Benign for Adams-Oliver syndrome 5. Last evaluated: 2025-12-21. Review status: criteria provided, single submitter. Criteria: Invitae Variant Classification Sherloc (09022015). Collection method: clinical testing. Allele origin: germline.

Ambry Genetics
Classification: Uncertain significance for Familial thoracic aortic aneurysm and aortic dissection. Last evaluated: 2025-10-05. Review status: criteria provided, single submitter. Criteria: Ambry Variant Classification Scheme 2023. Collection method: clinical testing. Allele origin: germline.
Comment: The p.P820S variant (also known as c.2458C>T), located in coding exon 15 of the NOTCH1 gene, results from a C to T substitution at nucleotide position 2458. The proline at codon 820 is replaced by serine, an amino acid with similar properties. This amino acid position is conserved. In addition, the in silico prediction for this alteration is inconclusive. Since supporting evidence is limited at this time, the clinical significance of this alteration remains unclear.

Genome-Nilou Lab
Classification: Uncertain significance for Adams-Oliver syndrome 5. Last evaluated: 2022-03-15. Review status: criteria provided, single submitter. Criteria: ACMG Guidelines, 2015. Collection method: clinical testing. Allele origin: germline. Affected: no.

Genome-Nilou Lab
Classification: Uncertain significance for Aortic valve disease 1. Last evaluated: 2022-03-15. Review status: criteria provided, single submitter. Criteria: ACMG Guidelines, 2015. Collection method: clinical testing. Allele origin: germline. Affected: no.

GeneDx
Classification: Uncertain significance. Last evaluated: 2021-04-14. Review status: criteria provided, single submitter. Criteria: GeneDx Variant Classification Process June 2021. Collection method: clinical testing. Allele origin: germline. Affected: yes.
Comment: Has not been previously published as pathogenic or benign to our knowledge; Reported in ClinVar as a variant of uncertain significance (ClinVar Variant ID# 560621; Landrum et al., 2016); Not observed at a significant frequency in large population cohorts (Lek et al., 2016); In silico analysis, which includes protein predictors and evolutionary conservation, supports a deleterious effect

Clinical Molecular Genetics Laboratory, Johns Hopkins All Children's Hospital
Classification: Uncertain significance for Chronic adenoiditis. Last evaluated: 2016-10-05. Review status: no assertion criteria provided. Collection method: clinical testing. Allele origin: germline. Affected: yes. Not counted in ClinVar's aggregate classification.

NM_017617.5(NOTCH1):c.2458C>T (p.Pro820Ser)

Gene: NOTCH1 (notch receptor 1; minus strand). Cytogenetic location: 9q34.3.
Variant type: single nucleotide variant.
Coding change: c.2458C>T on transcript NM_017617.5 (MANE Select); coding-DNA position 2458, C replaced by T.
Protein change: p.Pro820Ser; replaces proline 820 with serine.
Molecular consequence: missense variant.
Genome position (GRCh38, 1-based): chr9:136,513,030, G>A on the plus strand (C>T on the coding strand, the complement: NOTCH1 is on the minus strand). VCF-style: chr9-136513030-G-A. GRCh37 (hg19) VCF-style: chr9-139407482-G-A.
Other names: c.2458C>T, p.Pro820Ser (LRG_1122t1); short protein forms P820S.
Identifiers: ClinVar variation 560621 (VCV000560621.16), dbSNP rs1379596542, ClinGen allele CA13060715.